The following is an entry in ClinVar:

NM_012232.6(CAVIN1):c.*104C>T

Gene: CAVIN1 (caveolae associated protein 1; minus strand). Cytogenetic location: 17q21.2.
Variant type: single nucleotide variant.
Coding change: c.*104C>T on transcript NM_012232.6 (MANE Select); 104 bases downstream of the stop codon, C replaced by T.
Molecular consequence: 3 prime UTR variant.
Genome position (GRCh38, 1-based): chr17:42,404,583, G>A on the plus strand (C>T on the coding strand, the complement: CAVIN1 is on the minus strand). VCF-style: chr17-42404583-G-A. GRCh37 (hg19) VCF-style: chr17-40556601-G-A.
Identifiers: ClinVar variation 891312 (VCV000891312.5), dbSNP rs532604033, ClinGen allele CA290750086.
Genomic context (GRCh38, chr17:42,404,583, plus strand): 5'-ATCGGGTCCTAACAGCTCTAAGACTGGGAGTGGAGTTCCTGGAGGTGTGGGGAGGGGGGC[G>A]TGTTTTCAATTTAGAAAAATCTCAGCCAGCTCGAGCCGAGAGAGAATGCGAAAGAGGAAG-3'

ClinVar aggregate classification (germline): Likely benign. Review status: criteria provided, multiple submitters, no conflicts (2 of 4 stars). 2 submissions from 2 submitters: Likely benign (2). Last evaluated 2018-01-13.

Conditions:
Congenital generalized lipodystrophy type 4. Also called: BERARDINELLI-SEIP CONGENITAL LIPODYSTROPHY, TYPE 4, WITH MUSCULAR DYSTROPHY. Identifiers: Orphanet 228429, MedGen C2750069, MONDO:0013225, OMIM 613327.

Allele frequency attached by ClinVar (database versions not stated): gnomAD 0.00101 and 0.00108; TOPMed 0.00101; 1000 Genomes Project 30x 0.00219; 1000 Genomes Project 0.00220.

Submissions (2):

Illumina Laboratory Services, Illumina
Classification: Likely benign for Congenital generalized lipodystrophy type 4. Last evaluated: 2018-01-13. Review status: criteria provided, single submitter. Criteria: ICSL Variant Classification Criteria 13 December 2019. Collection method: clinical testing. Allele origin: germline.
Comment: This variant was observed in the ICSL laboratory as part of a predisposition screen in an ostensibly healthy population. It had not been previously curated by ICSL or reported in the Human Gene Mutation Database (HGMD: prior to June 1st, 2018), and was therefore a candidate for classification through an automated scoring system. Utilizing variant allele frequency, disease prevalence and penetrance estimates, and inheritance mode, an automated score was calculated to assess if this variant is too frequent to cause the disease. Based on the score and internal cut-off values, a variant classified as likely benign is not then subjected to further curation. The score for this variant resulted in a classification of likely benign for this disease.

Breakthrough Genomics
Classification: Likely benign. Review status: criteria provided, single submitter. Criteria: ACMG Guidelines, 2015. Collection method: not provided. Allele origin: germline. Inheritance: Autosomal recessive inheritance. Affected: yes.